The following is an entry in ClinVar:

ClinVar aggregate classification (germline): Uncertain significance (1 of 4 stars; one submission).

Conditions:
Tuberous sclerosis 2 (TSC2). Identifiers: Orphanet 805, MedGen C1860707, MONDO:0013199, OMIM 613254.

Submission:

Labcorp Genetics (formerly Invitae), Labcorp
Classification: Uncertain significance for Tuberous sclerosis 2. Last evaluated: 2023-01-10. Review status: criteria provided, single submitter. Criteria: Invitae Variant Classification Sherloc (09022015). Collection method: clinical testing. Allele origin: germline.
Comment: In summary, the available evidence is currently insufficient to determine the role of this variant in disease. Therefore, it has been classified as a Variant of Uncertain Significance. Advanced modeling of protein sequence and biophysical properties (such as structural, functional, and spatial information, amino acid conservation, physicochemical variation, residue mobility, and thermodynamic stability) performed at Invitae indicates that this missense variant is not expected to disrupt TSC2 protein function. ClinVar contains an entry for this variant (Variation ID: 1500760). This variant has not been reported in the literature in individuals affected with TSC2-related conditions. This variant is not present in population databases (gnomAD no frequency). This sequence change replaces glutamine, which is neutral and polar, with histidine, which is basic and polar, at codon 1395 of the TSC2 protein (p.Gln1395His).

NM_000548.5(TSC2):c.4185G>T (p.Gln1395His)

Gene: TSC2 (TSC complex subunit 2; plus strand). Cytogenetic location: 16p13.3.
Variant type: single nucleotide variant.
Coding change: c.4185G>T on transcript NM_000548.5 (MANE Select); coding-DNA position 4185, G replaced by T.
Protein change: p.Gln1395His; replaces glutamine 1395 with histidine.
Molecular consequence: missense variant.
Genome position (GRCh38, 1-based): chr16:2,084,407, G>T. VCF-style: chr16-2084407-G-T. GRCh37 (hg19) VCF-style: chr16-2134408-G-T.
Other names: c.3984G>T, p.Gln1328His (NM_001077183.3); c.4116G>T, p.Gln1372His (NM_001114382.3); c.3876G>T, p.Gln1292His (NM_001318827.2); c.3840G>T, p.Gln1280His (NM_001318829.2); c.3453G>T, p.Gln1151His (NM_001318831.2); c.4017G>T, p.Gln1339His (NM_001318832.2); c.3987G>T, p.Gln1329His (NM_001363528.2); c.4053G>T, p.Gln1351His (NM_001370404.1); and 1 more; short protein forms Q1280H, Q1292H, Q1339H, Q1351H, Q1328H, Q1329H, Q1395H, Q1151H.
Identifiers: ClinVar variation 1500760 (VCV001500760.8), dbSNP rs2151526541, ClinGen allele CA394299820.